The following is an entry in ClinVar:

ClinVar aggregate classification (germline): Uncertain significance (1 of 4 stars; one submission).

gnomAD v4.1: 6 of 1,614,148 alleles (0.00037%); highest among the groups gnomAD compares: Non-Finnish European, 0.00051%; no homozygotes.

Submission:

Labcorp Genetics (formerly Invitae), Labcorp
Classification: Uncertain significance. Last evaluated: 2025-10-29. Review status: criteria provided, single submitter. Criteria: Invitae Variant Classification Sherloc (09022015). Collection method: clinical testing. Allele origin: germline.
Comment: This sequence change replaces serine, which is neutral and polar, with glycine, which is neutral and non-polar, at codon 366 of the MYSM1 protein (p.Ser366Gly). This variant is present in population databases (no rsID available, gnomAD 0.0009%). This variant has not been reported in the literature in individuals affected with MYSM1-related conditions. Invitae Evidence Modeling of protein sequence and biophysical properties (such as structural, functional, and spatial information, amino acid conservation, physicochemical variation, residue mobility, and thermodynamic stability) indicates that this missense variant is not expected to disrupt MYSM1 protein function with a negative predictive value of 80%. In summary, the available evidence is currently insufficient to determine the role of this variant in disease. Therefore, it has been classified as a Variant of Uncertain Significance.

NM_001085487.3(MYSM1):c.1096A>G (p.Ser366Gly)

Gene: MYSM1 (Myb like, SWIRM and MPN domains 1; minus strand). Cytogenetic location: 1p32.1.
Variant type: single nucleotide variant.
Coding change: c.1096A>G on transcript NM_001085487.3 (MANE Select); coding-DNA position 1096, A replaced by G.
Protein change: p.Ser366Gly; replaces serine 366 with glycine.
Molecular consequence: missense variant.
Genome position (GRCh38, 1-based): chr1:58,681,948, T>C on the plus strand (A>G on the coding strand, the complement: MYSM1 is on the minus strand). VCF-style: chr1-58681948-T-C. GRCh37 (hg19) VCF-style: chr1-59147620-T-C.
Other names: short protein forms S366G.
Identifiers: ClinVar variation 4760413 (VCV004760413.1).